The following is an entry in ClinVar:

NM_080424.4(SP110):c.842A>G (p.Lys281Arg)

Genes: SP110 (SP110 nuclear body protein; minus strand), SP140 (SP140 nuclear body protein; plus strand). Cytogenetic location: 2q37.1.
Variant type: single nucleotide variant.
Coding change: c.842A>G on transcript NM_080424.4 (MANE Select); coding-DNA position 842, A replaced by G.
Protein change: p.Lys281Arg; replaces lysine 281 with arginine.
Molecular consequence: missense variant.
Genome position (GRCh38, 1-based): chr2:230,208,047, T>C on the plus strand (A>G on the coding strand, the complement: SP110 is on the minus strand). VCF-style: chr2-230208047-T-C. GRCh37 (hg19) VCF-style: chr2-231072762-T-C.
Other names: c.860A>G, p.Lys287Arg (NM_001185015.2, NM_001378442.1, NM_001378444.1 and 2 more transcripts); c.842A>G, p.Lys281Arg (NM_001378443.1, NM_001378447.1, NM_004509.5 and 1 more transcripts); short protein forms K281R, K287R.
Identifiers: ClinVar variation 660366 (VCV000660366.13), dbSNP rs187168146, ClinGen allele CA2154712.

ClinVar aggregate classification (germline): Uncertain significance. Review status: criteria provided, multiple submitters, no conflicts (2 of 4 stars). 4 submissions from 4 submitters: Uncertain significance (4). Last evaluated 2025-08-28.

Conditions:
Hepatic veno-occlusive disease-immunodeficiency syndrome. Also called: Hepatic Veno-Occlusive Disease with Immunodeficiency. Identifiers: Orphanet 79124, MedGen C1856128, MONDO:0009338, OMIM 235550. Disease mechanism: loss of function.
Inborn genetic diseases. Identifiers: MedGen C0950123, MeSH D030342.

Allele frequency attached by ClinVar (database versions not stated): gnomAD 0.00007 and 0.00009; gnomAD exomes 0.00017 and 0.00004; TOPMed 0.00015; ExAC 0.00016; 1000 Genomes Project 0.00080; 1000 Genomes Project 30x 0.00109.
gnomAD v4.1: 78 of 1,538,626 alleles (0.0051%); highest among the groups gnomAD compares: Admixed American, 0.087%; no homozygotes.

Submissions (4):

Ambry Genetics
Classification: Uncertain significance for Inborn genetic diseases. Last evaluated: 2025-08-28. Review status: criteria provided, single submitter. Criteria: Ambry Variant Classification Scheme 2023. Collection method: clinical testing. Allele origin: germline.

Dasa
Classification: Uncertain significance. Last evaluated: 2025-07-05. Review status: criteria provided, single submitter. Criteria: DASA Assertion Criteria. Collection method: clinical testing. Allele origin: germline.
Comment: NM_080424.4(SP110):c.842A>G (p.Lys281Arg) is a missense variant that results in the substitution of lysine with arginine. This variant is rare in population databases. Computational prediction algorithms are consistent with a benign effect. The currently available literature and clinical evidence are not sufficient to establish a definitive association between this variant and the reported condition. Therefore, this variant is classified as a variant of uncertain significance.

Labcorp Genetics (formerly Invitae), Labcorp
Classification: Uncertain significance for Hepatic veno-occlusive disease-immunodeficiency syndrome. Last evaluated: 2024-11-04. Review status: criteria provided, single submitter. Criteria: Invitae Variant Classification Sherloc (09022015). Collection method: clinical testing. Allele origin: germline.
Comment: This sequence change replaces lysine, which is basic and polar, with arginine, which is basic and polar, at codon 281 of the SP110 protein (p.Lys281Arg). This variant is present in population databases (rs187168146, gnomAD 0.1%). This variant has not been reported in the literature in individuals affected with SP110-related conditions. ClinVar contains an entry for this variant (Variation ID: 660366). An algorithm developed to predict the effect of missense changes on protein structure and function outputs the following: PolyPhen-2: "Possibly Damaging". The arginine amino acid residue is found in multiple mammalian species, which suggests that this missense change does not adversely affect protein function. In summary, the available evidence is currently insufficient to determine the role of this variant in disease. Therefore, it has been classified as a Variant of Uncertain Significance.

Illumina Laboratory Services, Illumina
Classification: Uncertain significance for Hepatic veno-occlusive disease-immunodeficiency syndrome. Last evaluated: 2018-01-13. Review status: criteria provided, single submitter. Criteria: ICSL Variant Classification Criteria 13 December 2019. Collection method: clinical testing. Allele origin: germline.